The following is an entry in ClinVar:

ClinVar aggregate classification (germline): Conflicting classifications of pathogenicity. Review status: criteria provided, conflicting classifications (1 of 4 stars). 9 submissions from 9 submitters: Uncertain significance (4); Likely benign (3). 2 of the submissions do not count toward it. Last evaluated 2026-02-02.

Conditions:
MYO7A-related disorder. Also called: MYO7A-related disorders.
Inborn genetic diseases. Identifiers: MedGen C0950123, MeSH D030342.
Usher syndrome type 1B (USH1B). Also called: Usher syndrome type IB. Identifiers: MedGen C1848638, MONDO:0700087.

Allele frequency attached by ClinVar (database versions not stated): gnomAD exomes 0.00009 and 0.00042; gnomAD 0.00032 and 0.00034; TOPMed 0.00034; ExAC 0.00037; ESP Exome Variant Server 0.00040; 1000 Genomes Project 30x 0.00047; 1000 Genomes Project 0.00060.
gnomAD v4.1: 246 of 1,613,638 alleles (0.015%); highest among the groups gnomAD compares: East Asian, 0.27%; 2 homozygotes.

Submissions (9):

Labcorp Genetics (formerly Invitae), Labcorp
Classification: Likely benign. Last evaluated: 2026-02-02. Review status: criteria provided, single submitter. Criteria: Invitae Variant Classification Sherloc (09022015). Collection method: clinical testing. Allele origin: germline.

CeGaT Center for Human Genetics Tuebingen
Classification: Uncertain significance. Last evaluated: 2025-12-01. Review status: criteria provided, single submitter. Criteria: CeGaT Center For Human Genetics Tuebingen Variant Classification Criteria Version 2. Collection method: clinical testing. Allele origin: germline. Affected: yes. Observed: 1 variant allele.

Blueprint Genetics
Classification: Likely benign. Last evaluated: 2024-09-11. Review status: criteria provided, single submitter. Criteria: ACMG Guidelines, 2015. Collection method: clinical testing. Allele origin: germline.

Ambry Genetics
Classification: Uncertain significance for Inborn genetic diseases. Last evaluated: 2024-03-30. Review status: criteria provided, single submitter. Criteria: Ambry Variant Classification Scheme 2023. Collection method: clinical testing. Allele origin: germline.

GeneDx
Classification: Uncertain significance. Last evaluated: 2021-01-19. Review status: criteria provided, single submitter. Criteria: GeneDx Variant Classification Process June 2021. Collection method: clinical testing. Allele origin: germline. Affected: yes.
Comment: In silico analysis supports that this missense variant has a deleterious effect on protein structure/function; Has not been previously published as pathogenic or benign to our knowledge

Laboratory for Molecular Medicine, Mass General Brigham Personalized Medicine
Classification: Likely benign. Last evaluated: 2017-06-26. Review status: criteria provided, single submitter. Criteria: LMM Criteria. Collection method: clinical testing. Allele origin: germline. Observed: 1 variant allele.
Comment: p.Asn1586Ser variant in exon 35 of MYO7A: This variant is not expected to have c linical significance because it has been identified in 0.5% of East Asian chrom osomes including 1 homozygote by the genome Aggregation Database (gnomAD; dbSNP rs201251963).

Eurofins Ntd Llc (ga)
Classification: Uncertain significance. Last evaluated: 2016-02-04. Review status: criteria provided, single submitter. Criteria: EGL Classification Definitions 2015. Collection method: clinical testing. Allele origin: germline. Observed: 3 variant alleles, 3 heterozygotes.

PreventionGenetics, part of Exact Sciences
Classification: Likely benign for MYO7A-related condition. Last evaluated: 2022-03-18. Review status: no assertion criteria provided. Collection method: clinical testing. Allele origin: germline. Not counted in ClinVar's aggregate classification.
Comment: This variant is classified as likely benign based on ACMG/AMP sequence variant interpretation guidelines (Richards et al. 2015 PMID: 25741868, with internal and published modifications).

Natera, Inc.
Classification: Benign for Usher syndrome type 1B. Last evaluated: 2020-05-20. Review status: no assertion criteria provided. Collection method: clinical testing. Allele origin: germline. Not counted in ClinVar's aggregate classification.

NM_000260.4(MYO7A):c.4757A>G (p.Asn1586Ser)

Gene: MYO7A (myosin VIIA; plus strand). Cytogenetic location: 11q13.5.
Variant type: single nucleotide variant.
Coding change: c.4757A>G on transcript NM_000260.4 (MANE Select); coding-DNA position 4757, A replaced by G.
Protein change: p.Asn1586Ser; replaces asparagine 1586 with serine.
Molecular consequence: missense variant.
Genome position (GRCh38, 1-based): chr11:77,199,723, A>G. VCF-style: chr11-77199723-A-G. GRCh37 (hg19) VCF-style: chr11-76910768-A-G.
Other names: c.4643A>G, p.Asn1548Ser (NM_001127180.2); c.4610A>G, p.Asn1537Ser (NM_001369365.1); short protein forms N1586S, N1537S, N1548S.
Identifiers: ClinVar variation 196935 (VCV000196935.31), dbSNP rs201251963, ClinGen allele CA244758.